The following is an entry in ClinVar:

ClinVar aggregate classification (germline): Likely pathogenic (1 of 4 stars; one submission).

Submission:

Dasa
Classification: Likely pathogenic. Last evaluated: 2026-02-05. Review status: criteria provided, single submitter. Criteria: DASA Assertion Criteria. Collection method: clinical testing. Allele origin: germline.
Comment: NM_000088.4(COL1A1):c.324_327delinsGA (p.Gly109Serfs*59) introduces a premature termination codon predicted to result in loss of normal protein function. Loss-of-function is an established mechanism of disease for this gene. The variant is present at low frequency in population datasets. Based on the available data, this variant is classified as likely pathogenic.

NM_000088.4(COL1A1):c.324_327delinsGA (p.Gly109fs)

Gene: COL1A1 (collagen type I alpha 1 chain; minus strand). Cytogenetic location: 17q21.33.
Variant type: Indel.
Coding change: c.324_327delinsGA on transcript NM_000088.4 (MANE Select); coding-DNA positions 324 to 327, CGGC replaced by GA.
Protein change: p.Gly109fs; shifts the reading frame from glycine 109.
Molecular consequence: frameshift variant.
Genome position (GRCh38, 1-based): chr17:50,199,562-50,199,565, GCCG replaced by TC on the plus strand (CGGC replaced by GA on the coding strand, the reverse complement: COL1A1 is on the minus strand). VCF-style: chr17-50199562-GCCG-TC. GRCh37 (hg19) VCF-style: chr17-48276923-GCCG-TC.
Other names: short protein forms G109fs.
Identifiers: ClinVar variation 4851801 (VCV004851801.1).